The following is an entry in ClinVar:

NM_014283.5(SUCO):c.2610G>C (p.Gln870His)

Gene: SUCO (SUN domain containing ossification factor; plus strand). Cytogenetic location: 1q24.3.
Variant type: single nucleotide variant.
Coding change: c.2610G>C on transcript NM_014283.5 (MANE Select); coding-DNA position 2610, G replaced by C.
Protein change: p.Gln870His; replaces glutamine 870 with histidine.
Molecular consequence: missense variant. On other transcripts: intron variant (1).
Genome position (GRCh38, 1-based): chr1:172,589,711, G>C. VCF-style: chr1-172589711-G-C. GRCh37 (hg19) VCF-style: chr1-172558851-G-C.
Other names: c.921G>C, p.Gln307His (NM_001282751.2); c.3063G>C, p.Gln1021His (NM_016227.4); c.1712+787G>C (NM_001282750.2); short protein forms Q307H, Q870H, Q1021H.
Identifiers: ClinVar variation 2874284 (VCV002874284.3), dbSNP rs1339618732, ClinGen allele CA343744694.

ClinVar aggregate classification (germline): Uncertain significance (1 of 4 stars; one submission).

gnomAD v4.1: 6 of 1,613,648 alleles (0.00037%); highest among the groups gnomAD compares: Non-Finnish European, 0.00042%; no homozygotes.

Submission:

Labcorp Genetics (formerly Invitae), Labcorp
Classification: Uncertain significance. Last evaluated: 2023-11-25. Review status: criteria provided, single submitter. Criteria: Invitae Variant Classification Sherloc (09022015). Collection method: clinical testing. Allele origin: germline.
Comment: This sequence change replaces glutamine, which is neutral and polar, with histidine, which is basic and polar, at codon 870 of the SUCO protein (p.Gln870His). This variant is present in population databases (no rsID available, gnomAD 0.0009%). This variant has not been reported in the literature in individuals affected with SUCO-related conditions. An algorithm developed to predict the effect of missense changes on protein structure and function (PolyPhen-2) suggests that this variant is likely to be disruptive. In summary, the available evidence is currently insufficient to determine the role of this variant in disease. Therefore, it has been classified as a Variant of Uncertain Significance.